The following is an entry in ClinVar:

NM_001273.5(CHD4):c.671C>T (p.Ala224Val)

Gene: CHD4 (chromodomain helicase DNA binding protein 4; minus strand). Cytogenetic location: 12p13.31.
Variant type: single nucleotide variant.
Coding change: c.671C>T on transcript NM_001273.5 (MANE Select); coding-DNA position 671, C replaced by T.
Protein change: p.Ala224Val; replaces alanine 224 with valine.
Molecular consequence: missense variant.
Genome position (GRCh38, 1-based): chr12:6,601,417, G>A on the plus strand (C>T on the coding strand, the complement: CHD4 is on the minus strand). VCF-style: chr12-6601417-G-A. GRCh37 (hg19) VCF-style: chr12-6710583-G-A.
Other names: c.650C>T, p.Ala217Val (NM_001297553.2); c.671C>T, p.Ala224Val (NM_001363606.2); short protein forms A224V, A217V.
Identifiers: ClinVar variation 2145013 (VCV002145013.4), dbSNP rs2540414315, ClinGen allele CA383603009.

ClinVar aggregate classification (germline): Uncertain significance (1 of 4 stars; one submission).

Allele frequency attached by ClinVar (database versions not stated): gnomAD exomes below 0.00001.
gnomAD v4.1: 2 of 1,614,166 alleles (0.00012%); highest among the groups gnomAD compares: East Asian, 0.0022%; no homozygotes.

Submission:

Labcorp Genetics (formerly Invitae), Labcorp
Classification: Uncertain significance. Last evaluated: 2024-10-31. Review status: criteria provided, single submitter. Criteria: Invitae Variant Classification Sherloc (09022015). Collection method: clinical testing. Allele origin: germline.
Comment: This sequence change replaces alanine, which is neutral and non-polar, with valine, which is neutral and non-polar, at codon 224 of the CHD4 protein (p.Ala224Val). This variant is not present in population databases (gnomAD no frequency). This variant has not been reported in the literature in individuals affected with CHD4-related conditions. This missense change has been observed in at least one individual who was not affected with CHD4-related conditions (internal data). ClinVar contains an entry for this variant (Variation ID: 2145013). Invitae Evidence Modeling of protein sequence and biophysical properties (such as structural, functional, and spatial information, amino acid conservation, physicochemical variation, residue mobility, and thermodynamic stability) has been performed for this missense variant. However, the output from this modeling did not meet the statistical confidence thresholds required to predict the impact of this variant on CHD4 protein function. In summary, the available evidence is currently insufficient to determine the role of this variant in disease. Therefore, it has been classified as a Variant of Uncertain Significance.